The following is an entry in ClinVar:

NM_014140.4(SMARCAL1):c.1071T>G (p.Phe357Leu)

Gene: SMARCAL1 (SNF2 related chromatin remodeling annealing helicase 1; plus strand). Cytogenetic location: 2q35.
Variant type: single nucleotide variant.
Coding change: c.1071T>G on transcript NM_014140.4 (MANE Select); coding-DNA position 1071, T replaced by G.
Protein change: p.Phe357Leu; replaces phenylalanine 357 with leucine.
Molecular consequence: missense variant.
Genome position (GRCh38, 1-based): chr2:216,420,507, T>G. VCF-style: chr2-216420507-T-G. GRCh37 (hg19) VCF-style: chr2-217285230-T-G.
Other names: c.1071T>G, p.Phe357Leu (NM_001127207.2); short protein forms F357L.
Identifiers: ClinVar variation 1397324 (VCV001397324.5), dbSNP rs776604578, ClinGen allele CA350498690.

ClinVar aggregate classification (germline): Uncertain significance (1 of 4 stars; one submission).

Conditions:
Schimke immuno-osseous dysplasia (SIOD). Also called: Schimke Immunoosseous Dysplasia. Identifiers: Orphanet 1830, MedGen C0877024, MONDO:0009458, OMIM 242900.

gnomAD v4.1: 19 of 1,614,064 alleles (0.0012%); highest among the groups gnomAD compares: Non-Finnish European, 0.0016%; no homozygotes.

Submission:

Labcorp Genetics (formerly Invitae), Labcorp
Classification: Uncertain significance for Schimke immuno-osseous dysplasia. Last evaluated: 2021-09-24. Review status: criteria provided, single submitter. Criteria: Invitae Variant Classification Sherloc (09022015). Collection method: clinical testing. Allele origin: germline.
Comment: This sequence change replaces phenylalanine with leucine at codon 357 of the SMARCAL1 protein (p.Phe357Leu). The phenylalanine residue is highly conserved and there is a small physicochemical difference between phenylalanine and leucine. This variant is not present in population databases (ExAC no frequency). This variant has not been reported in the literature in individuals with SMARCAL1-related conditions. Algorithms developed to predict the effect of missense changes on protein structure and function are either unavailable or do not agree on the potential impact of this missense change (SIFT: "Tolerated"; PolyPhen-2: "Possibly Damaging"; Align-GVGD: "Class C0"). In summary, the available evidence is currently insufficient to determine the role of this variant in disease. Therefore, it has been classified as a Variant of Uncertain Significance.